The following is an entry in ClinVar:

NM_004656.4(BAP1):c.2149C>G (p.Arg717Gly)

Gene: BAP1 (BRCA1 associated protein 1; minus strand). Cytogenetic location: 3p21.1.
Variant type: single nucleotide variant.
Coding change: c.2149C>G on transcript NM_004656.4 (MANE Select); coding-DNA position 2149, C replaced by G.
Protein change: p.Arg717Gly; replaces arginine 717 with glycine.
Molecular consequence: missense variant.
Genome position (GRCh38, 1-based): chr3:52,402,329, G>C on the plus strand (C>G on the coding strand, the complement: BAP1 is on the minus strand). VCF-style: chr3-52402329-G-C. GRCh37 (hg19) VCF-style: chr3-52436345-G-C.
Other names: short protein forms R717G.
Identifiers: ClinVar variation 1320379 (VCV001320379.2), dbSNP rs1451498951, ClinGen allele CA353094114.

ClinVar aggregate classification (germline): Uncertain significance (1 of 4 stars; one submission).

gnomAD v4.1: 1 of 1,593,402 alleles (0.000063%); highest among the groups gnomAD compares: Non-Finnish European, 0.000085%; no homozygotes.

Submission:

GeneDx
Classification: Uncertain significance. Last evaluated: 2020-02-03. Review status: criteria provided, single submitter. Criteria: GeneDx Variant Classification Process June 2021. Collection method: clinical testing. Allele origin: germline. Affected: yes.
Comment: Not observed at a significant frequency in large population cohorts (Lek et al., 2016); In silico analysis supports that this missense variant does not alter protein structure/function; Has not been previously published as pathogenic or benign to our knowledge